The following is an entry in ClinVar:

NM_000037.4(ANK1):c.4136C>T (p.Pro1379Leu)

Gene: ANK1 (ankyrin 1; minus strand). Cytogenetic location: 8p11.21.
Variant type: single nucleotide variant.
Coding change: c.4136C>T on transcript NM_000037.4 (MANE Select); coding-DNA position 4136, C replaced by T.
Protein change: p.Pro1379Leu; replaces proline 1379 with leucine.
Molecular consequence: missense variant.
Genome position (GRCh38, 1-based): chr8:41,688,558, G>A on the plus strand (C>T on the coding strand, the complement: ANK1 is on the minus strand). VCF-style: chr8-41688558-G-A. GRCh37 (hg19) VCF-style: chr8-41546076-G-A.
Other names: c.4259C>T, p.Pro1420Leu (NM_001142446.2); c.4136C>T, p.Pro1379Leu (NM_020475.3, NM_020476.3, NM_020477.3); short protein forms P1379L, P1420L.
Identifiers: ClinVar variation 910715 (VCV000910715.10), dbSNP rs748160803, ClinGen allele CA4727653.

ClinVar aggregate classification (germline): Conflicting classifications of pathogenicity. Review status: criteria provided, conflicting classifications (1 of 4 stars). 5 submissions from 4 submitters: Uncertain significance (3); Likely benign (2). Last evaluated 2024-06-25.

Conditions:
Hereditary spherocytosis type 1. Also called: Spherocytosis type 1; ANK1-Related Spherocytosis. Identifiers: Orphanet 822, MedGen C2674218, MONDO:0008447, OMIM 182900.
Inborn genetic diseases. Identifiers: MedGen C0950123, MeSH D030342.
Spherocytosis. Identifiers: MedGen C0553720, HP:0004444.

Allele frequency attached by ClinVar (database versions not stated): TOPMed 0.00008; gnomAD 0.00009.
gnomAD v4.1: 32 of 1,614,008 alleles (0.002%); highest among the groups gnomAD compares: African/African-American, 0.016%; no homozygotes.

Submissions (5):

Ambry Genetics
Classification: Likely benign for Inborn genetic diseases. Last evaluated: 2024-06-25. Review status: criteria provided, single submitter. Criteria: Ambry Variant Classification Scheme 2023. Collection method: clinical testing. Allele origin: germline.

Labcorp Genetics (formerly Invitae), Labcorp
Classification: Uncertain significance. Last evaluated: 2024-04-25. Review status: criteria provided, single submitter. Criteria: Invitae Variant Classification Sherloc (09022015). Collection method: clinical testing. Allele origin: germline.
Comment: This sequence change replaces proline, which is neutral and non-polar, with leucine, which is neutral and non-polar, at codon 1379 of the ANK1 protein (p.Pro1379Leu). This variant is present in population databases (rs748160803, gnomAD 0.03%). This variant has not been reported in the literature in individuals affected with ANK1-related conditions. ClinVar contains an entry for this variant (Variation ID: 910715). Algorithms developed to predict the effect of missense changes on protein structure and function output the following: SIFT: "Not Available"; PolyPhen-2: "Benign"; Align-GVGD: "Not Available". The leucine amino acid residue is found in multiple mammalian species, which suggests that this missense change does not adversely affect protein function. In summary, the available evidence is currently insufficient to determine the role of this variant in disease. Therefore, it has been classified as a Variant of Uncertain Significance.

ARUP Laboratories, Molecular Genetics and Genomics, ARUP Laboratories
Classification: Likely benign for Hereditary spherocytosis type 1. Last evaluated: 2022-04-01. Review status: criteria provided, single submitter. Criteria: ARUP Molecular Germline Variant Investigation Process 2021. Collection method: clinical testing. Allele origin: germline.

Illumina Laboratory Services, Illumina
Classification: Uncertain significance for Hereditary spherocytosis type 1. Last evaluated: 2018-01-13. Review status: criteria provided, single submitter. Criteria: ICSL Variant Classification Criteria 13 December 2019. Collection method: clinical testing. Allele origin: germline.

Illumina Laboratory Services, Illumina
Classification: Uncertain significance for Spherocytosis. Last evaluated: 2018-01-13. Review status: criteria provided, single submitter. Criteria: ICSL Variant Classification Criteria 13 December 2019. Collection method: clinical testing. Allele origin: germline.